The following is an entry in ClinVar:

NM_001363711.2(DUOX2):c.2029A>G (p.Arg677Gly)

Gene: DUOX2 (dual oxidase 2; minus strand). Cytogenetic location: 15q21.1.
Variant type: single nucleotide variant.
Coding change: c.2029A>G on transcript NM_001363711.2 (MANE Select); coding-DNA position 2029, A replaced by G.
Protein change: p.Arg677Gly; replaces arginine 677 with glycine.
Molecular consequence: missense variant.
Genome position (GRCh38, 1-based): chr15:45,106,244, T>C on the plus strand (A>G on the coding strand, the complement: DUOX2 is on the minus strand). VCF-style: chr15-45106244-T-C. GRCh37 (hg19) VCF-style: chr15-45398442-T-C.
Other names: c.2029A>G, p.Arg677Gly (NM_014080.5); short protein forms R677G.
Identifiers: ClinVar variation 2135646 (VCV002135646.4), dbSNP rs2504766448, ClinGen allele CA392273145.
Genomic context (GRCh38, chr15:45,106,244, plus strand): 5'-GGATGAGGTTGACCTGCTGCAGAGGCTGCAGCTGGACCACACGGAGCACAGTGAGATGCC[T>C]GTTCAGGACCTGCAGACACCTGTCTGACAGCAGCTGGATGATGATGGGACTGCTCCTCTC-3'
Protein context (NP_001350640.1, residues 667-687): LSDRCLQVLN[Arg677Gly]HLTVLRVVQL

ClinVar aggregate classification (germline): Uncertain significance (1 of 4 stars; one submission).

Submission:

Labcorp Genetics (formerly Invitae), Labcorp
Classification: Uncertain significance. Last evaluated: 2024-10-22. Review status: criteria provided, single submitter. Criteria: Invitae Variant Classification Sherloc (09022015). Collection method: clinical testing. Allele origin: germline.
Comment: This sequence change replaces arginine, which is basic and polar, with glycine, which is neutral and non-polar, at codon 677 of the DUOX2 protein (p.Arg677Gly). This variant is not present in population databases (gnomAD no frequency). This variant has not been reported in the literature in individuals affected with DUOX2-related conditions. ClinVar contains an entry for this variant (Variation ID: 2135646). Invitae Evidence Modeling of protein sequence and biophysical properties (such as structural, functional, and spatial information, amino acid conservation, physicochemical variation, residue mobility, and thermodynamic stability) indicates that this missense variant is not expected to disrupt DUOX2 protein function with a negative predictive value of 80%. In summary, the available evidence is currently insufficient to determine the role of this variant in disease. Therefore, it has been classified as a Variant of Uncertain Significance.